The following is an entry in ClinVar:

ClinVar aggregate classification (germline): Likely benign. Review status: criteria provided, multiple submitters, no conflicts (2 of 4 stars). 2 submissions from 2 submitters: Likely benign (2). Last evaluated 2025-12-26.

Conditions:
IFT74-related disorder. Also called: IFT74-related condition; IFT74-Related Disorders.

gnomAD v4.1: 16 of 1,579,740 alleles (0.001%); highest among the groups gnomAD compares: African/African-American, 0.0014%; no homozygotes.

Submissions (2):

PreventionGenetics, part of Exact Sciences
Classification: Likely benign for IFT74-related condition. Last evaluated: 2025-12-26. Review status: criteria provided, single submitter. Criteria: ACMG Guidelines, 2015. Collection method: clinical testing. Allele origin: germline.
Comment: This variant is classified as likely benign based on ACMG/AMP sequence variant interpretation guidelines (Richards et al. 2015 PMID: 25741868, with internal and published modifications).

Labcorp Genetics (formerly Invitae), Labcorp
Classification: Likely benign. Last evaluated: 2023-12-18. Review status: criteria provided, single submitter. Criteria: Invitae Variant Classification Sherloc (09022015). Collection method: clinical testing. Allele origin: germline.

NM_025103.4(IFT74):c.1357C>T (p.Leu453=)

Gene: IFT74 (intraflagellar transport 74; plus strand). Cytogenetic location: 9p21.2.
Variant type: single nucleotide variant.
Coding change: c.1357C>T on transcript NM_025103.4 (MANE Select); coding-DNA position 1357, C replaced by T.
Protein change: p.Leu453=; no amino-acid change (leucine 453 retained).
Molecular consequence: synonymous variant.
Genome position (GRCh38, 1-based): chr9:27,055,632, C>T. VCF-style: chr9-27055632-C-T. GRCh37 (hg19) VCF-style: chr9-27055630-C-T.
Other names: c.1357C>T (NM_025103.2); c.1357C>T, p.Leu453= (NM_001099222.3, NM_001099223.3, NM_001349928.2).
Identifiers: ClinVar variation 1937118 (VCV001937118.6), dbSNP rs201631629, ClinGen allele CA464170035.